The following is an entry in ClinVar:

NM_000944.5(PPP3CA):c.788C>T (p.Pro263Leu)

Gene: PPP3CA (protein phosphatase 3 catalytic subunit alpha; minus strand). Cytogenetic location: 4q24.
Variant type: single nucleotide variant.
Coding change: c.788C>T on transcript NM_000944.5 (MANE Select); coding-DNA position 788, C replaced by T.
Protein change: p.Pro263Leu; replaces proline 263 with leucine.
Molecular consequence: missense variant.
Genome position (GRCh38, 1-based): chr4:101,083,258, G>A on the plus strand (C>T on the coding strand, the complement: PPP3CA is on the minus strand). VCF-style: chr4-101083258-G-A. GRCh37 (hg19) VCF-style: chr4-102004415-G-A.
Other names: c.788C>T, p.Pro263Leu (NM_001130691.2, NM_001130692.2); short protein forms P263L.
Identifiers: ClinVar variation 3393059 (VCV003393059.5).
Genomic context (GRCh38, chr4:101,083,258, plus strand): 5'-GCTTCGTGGGCTCGGAGTATAGATAACAAGTTATTGTGCTGTAAGAATTCACATACAGCC[G>A]GGTAACTGCCAGAGACAAAAAGAAAAGGGAAGCATCTGTTAGGAAATCATCAGGAGTAGC-3'
Protein context (NP_000935.1, residues 253-273): VRGCSYFYSY[Pro263Leu]AVCEFLQHNN

ClinVar aggregate classification (germline): Uncertain significance. Review status: criteria provided, multiple submitters, no conflicts (2 of 4 stars). 4 submissions from 4 submitters: Uncertain significance (4). Last evaluated 2025-07-02.

Conditions:
Developmental and epileptic encephalopathy 91. Also called: EPILEPTIC ENCEPHALOPATHY, INFANTILE OR EARLY CHILDHOOD, 1. Identifiers: MedGen C4540199, MONDO:0020630, OMIM 617711.
Arthrogryposis, cleft palate, craniosynostosis, and impaired intellectual development. Identifiers: Orphanet 565858, MedGen C4748872, MONDO:0032642, OMIM 618265.

gnomAD v4.1: 3 of 1,608,194 alleles (0.00019%); highest among the groups gnomAD compares: African/African-American, 0.0013%; no homozygotes.

Submissions (4):

Labcorp Genetics (formerly Invitae), Labcorp
Classification: Uncertain significance. Last evaluated: 2025-07-02. Review status: criteria provided, single submitter. Criteria: Invitae Variant Classification Sherloc (09022015). Collection method: clinical testing. Allele origin: germline.
Comment: This sequence change replaces proline, which is neutral and non-polar, with leucine, which is neutral and non-polar, at codon 263 of the PPP3CA protein (p.Pro263Leu). The frequency data for this variant in the population databases is considered unreliable, as metrics indicate poor data quality at this position in the gnomAD database. This variant has not been reported in the literature in individuals affected with PPP3CA-related conditions. ClinVar contains an entry for this variant (Variation ID: 3393059). Invitae Evidence Modeling of protein sequence and biophysical properties (such as structural, functional, and spatial information, amino acid conservation, physicochemical variation, residue mobility, and thermodynamic stability) indicates that this missense variant is not expected to disrupt PPP3CA protein function with a negative predictive value of 80%. In summary, the available evidence is currently insufficient to determine the role of this variant in disease. Therefore, it has been classified as a Variant of Uncertain Significance.

Women's Health and Genetics/Laboratory Corporation of America, LabCorp
Classification: Uncertain significance. Last evaluated: 2025-01-13. Review status: criteria provided, single submitter. Criteria: LabCorp Variant Classification Summary - May 2015. Collection method: clinical testing. Allele origin: germline.
Comment: Variant summary: PPP3CA c.788C>T (p.Pro263Leu) results in a non-conservative amino acid change located in the PP2B, metallophosphatase domain (IPR041751) of the encoded protein sequence. Three of five in-silico tools predict a benign effect of the variant on protein function. The variant allele was found at a frequency of 8.2e-06 in 243974 control chromosomes. The available data on variant occurrences in the general population are insufficient to allow any conclusion about variant significance. To our knowledge, no occurrence of c.788C>T in individuals affected with Epileptic Encephalopathy, Infantile Or Early Childhood, 1 and no experimental evidence demonstrating its impact on protein function have been reported. ClinVar contains an entry for this variant (Variation ID: 3393059). Based on the evidence outlined above, the variant was classified as uncertain significance.

Genomic Medicine Center of Excellence, King Faisal Specialist Hospital and Research Centre
Classification: Uncertain significance for Developmental and epileptic encephalopathy 91. Last evaluated: 2024-12-19. Review status: criteria provided, single submitter. Criteria: ACMG Guidelines, 2015. Collection method: clinical testing. Allele origin: germline.

Fulgent Genetics
Classification: Uncertain significance for Developmental and epileptic encephalopathy 91; Arthrogryposis, cleft palate, craniosynostosis, and impaired intellectual development. Last evaluated: 2024-02-07. Review status: criteria provided, single submitter. Criteria: ACMG Guidelines, 2015. Collection method: clinical testing. Allele origin: germline.